The following is an entry in ClinVar:

NM_003322.6(TULP1):c.856G>A (p.Val286Met)

Gene: TULP1 (TUB like protein 1; minus strand). Cytogenetic location: 6p21.31.
Variant type: single nucleotide variant.
Coding change: c.856G>A on transcript NM_003322.6 (MANE Select); coding-DNA position 856, G replaced by A.
Protein change: p.Val286Met; replaces valine 286 with methionine.
Molecular consequence: missense variant.
Genome position (GRCh38, 1-based): chr6:35,506,146, C>T on the plus strand (G>A on the coding strand, the complement: TULP1 is on the minus strand). VCF-style: chr6-35506146-C-T. GRCh37 (hg19) VCF-style: chr6-35473923-C-T.
Other names: c.856G>A (NM_003322.5); c.697G>A, p.Val233Met (NM_001289395.2); short protein forms V233M, V286M.
Identifiers: ClinVar variation 1169412 (VCV001169412.11), dbSNP rs550761943, ClinGen allele CA3772761.

ClinVar aggregate classification (germline): Benign/Likely benign. Review status: criteria provided, multiple submitters, no conflicts (2 of 4 stars). 3 submissions from 3 submitters: Benign (1); Likely benign (2). Last evaluated 2026-01-26.

Conditions:
TULP1-related disorder. Also called: TULP1-related disorders; TULP1-related condition.

Allele frequency attached by ClinVar (database versions not stated): TOPMed 0.00003; gnomAD 0.00009; gnomAD exomes 0.00032; ExAC 0.00037; 1000 Genomes Project 0.00060; 1000 Genomes Project 30x 0.00062.
gnomAD v4.1: 284 of 1,613,504 alleles (0.018%); highest among the groups gnomAD compares: South Asian, 0.3%; 3 homozygotes.

Submissions (3):

Labcorp Genetics (formerly Invitae), Labcorp
Classification: Benign. Last evaluated: 2026-01-26. Review status: criteria provided, single submitter. Criteria: Invitae Variant Classification Sherloc (09022015). Collection method: clinical testing. Allele origin: germline.

PreventionGenetics, part of Exact Sciences
Classification: Likely benign for TULP1-related condition. Last evaluated: 2024-12-19. Review status: criteria provided, single submitter. Criteria: ACMG Guidelines, 2015. Collection method: clinical testing. Allele origin: germline.
Comment: This variant is classified as likely benign based on ACMG/AMP sequence variant interpretation guidelines (Richards et al. 2015 PMID: 25741868, with internal and published modifications).

Blueprint Genetics
Classification: Likely benign. Last evaluated: 2024-08-29. Review status: criteria provided, single submitter. Criteria: ACMG Guidelines, 2015. Collection method: clinical testing. Allele origin: germline.